The following is an entry in ClinVar:

ClinVar aggregate classification (germline): Uncertain significance. Review status: criteria provided, multiple submitters, no conflicts (2 of 4 stars). 3 submissions from 3 submitters: Uncertain significance (3). Last evaluated 2025-04-13.

gnomAD v4.1: 1 of 1,614,216 alleles (0.000062%); highest among the groups gnomAD compares: Non-Finnish European, 0.000085%; no homozygotes.

Submissions (3):

Ambry Genetics
Classification: Uncertain significance. Last evaluated: 2025-04-13. Review status: criteria provided, single submitter. Criteria: Ambry Variant Classification Scheme 2023. Collection method: clinical testing. Allele origin: germline.

Labcorp Genetics (formerly Invitae), Labcorp
Classification: Uncertain significance. Last evaluated: 2021-07-16. Review status: criteria provided, single submitter. Criteria: Invitae Variant Classification Sherloc (09022015). Collection method: clinical testing. Allele origin: germline.
Comment: In summary, the available evidence is currently insufficient to determine the role of this variant in disease. Therefore, it has been classified as a Variant of Uncertain Significance. Algorithms developed to predict the effect of missense changes on protein structure and function (SIFT, PolyPhen-2, Align-GVGD) all suggest that this variant is likely to be tolerated. This variant has not been reported in the literature in individuals affected with SLC7A14-related conditions. This variant is present in population databases (rs763192459, ExAC 0.001%). This sequence change replaces serine with threonine at codon 349 of the SLC7A14 protein (p.Ser349Thr). The serine residue is moderately conserved and there is a small physicochemical difference between serine and threonine.

Blueprint Genetics
Classification: Uncertain significance. Last evaluated: 2019-08-27. Review status: criteria provided, single submitter. Criteria: ACMG Guidelines, 2015. Collection method: clinical testing. Allele origin: germline.

NM_020949.3(SLC7A14):c.1046G>C (p.Ser349Thr)

Genes: SLC7A14 (solute carrier family 7 member 14; minus strand), SLC7A14-AS1 (SLC7A14 antisense RNA 1; plus strand). Cytogenetic location: 3q26.2.
Variant type: single nucleotide variant.
Coding change: c.1046G>C on transcript NM_020949.3 (MANE Select); coding-DNA position 1046, G replaced by C.
Protein change: p.Ser349Thr; replaces serine 349 with threonine.
Molecular consequence: missense variant.
Genome position (GRCh38, 1-based): chr3:170,483,383, C>G on the plus strand (G>C on the coding strand, the complement: SLC7A14 is on the minus strand). VCF-style: chr3-170483383-C-G. GRCh37 (hg19) VCF-style: chr3-170201172-C-G.
Other names: c.1046G>C (NM_020949.2); short protein forms S349T.
Identifiers: ClinVar variation 1367927 (VCV001367927.10), dbSNP rs763192459, ClinGen allele CA2701734.